The following is an entry in ClinVar:

ClinVar aggregate classification (germline): Likely benign (1 of 4 stars; one submission).

gnomAD v4.1: 57 of 1,614,076 alleles (0.0035%); highest among the groups gnomAD compares: Non-Finnish European, 0.0044%; no homozygotes.

Submission:

CeGaT Center for Human Genetics Tuebingen
Classification: Likely benign. Last evaluated: 2025-06-01. Review status: criteria provided, single submitter. Criteria: CeGaT Center For Human Genetics Tuebingen Variant Classification Criteria Version 2. Collection method: clinical testing. Allele origin: germline. Affected: yes. Observed: 1 variant allele.
Comment: TAS1R2: BP4, BP7

NM_152232.6(TAS1R2):c.432C>T (p.Ser144=)

Gene: TAS1R2 (taste 1 receptor member 2; minus strand). Cytogenetic location: 1p36.13.
Variant type: single nucleotide variant.
Coding change: c.432C>T on transcript NM_152232.6 (MANE Select); coding-DNA position 432, C replaced by T.
Protein change: p.Ser144=; no amino-acid change (serine 144 retained).
Molecular consequence: synonymous variant.
Genome position (GRCh38, 1-based): chr1:18,857,382, G>A on the plus strand (C>T on the coding strand, the complement: TAS1R2 is on the minus strand). VCF-style: chr1-18857382-G-A. GRCh37 (hg19) VCF-style: chr1-19183876-G-A.
Identifiers: ClinVar variation 3905541 (VCV003905541.10).
Genomic context (GRCh38, chr1:18,857,382, plus strand): 5'-GGGCCTCACCTGTGGAAGGAGAAATAGGGAGAGGAAGTTGGCCACAGTCATGACAGACTC[G>A]GAGTTGTCAGGGCCAATGACAGCCACCACACGGGAAATGTAGTTACTGTAGTCCTCTTGG-3'
Protein context (NP_689418.2, residues 134-154): RVVAVIGPDN[Ser144=]ESVMTVANFL